The following is an entry in ClinVar:

ClinVar aggregate classification (germline): Uncertain significance (1 of 4 stars; one submission).

Conditions:
Oculofaciocardiodental syndrome (MCOPS2). Identifiers: Orphanet 2712, MedGen C1846265, MONDO:0010261, OMIM 300166.

Submission:

Labcorp Genetics (formerly Invitae), Labcorp
Classification: Uncertain significance for Oculofaciocardiodental syndrome. Last evaluated: 2021-05-16. Review status: criteria provided, single submitter. Criteria: Invitae Variant Classification Sherloc (09022015). Collection method: clinical testing. Allele origin: germline.
Comment: Experimental studies and prediction algorithms are not available or were not evaluated, and the functional significance of this variant is currently unknown. In summary, the available evidence is currently insufficient to determine the role of this variant in disease. Therefore, it has been classified as a Variant of Uncertain Significance. This variant has not been reported in the literature in individuals with BCOR-related conditions. This variant is not present in population databases (ExAC no frequency). This variant, c.4674_4676del, results in the deletion of 1 amino acid(s) of the BCOR protein (p.Asp1559del), but otherwise preserves the integrity of the reading frame.

NM_001123385.2(BCOR):c.4770TGA[2] (p.Asp1593del)

Gene: BCOR (BCL6 corepressor; minus strand). Cytogenetic location: Xp11.4.
Variant type: Microsatellite.
Coding change: c.4770TGA[2] on transcript NM_001123385.2 (MANE Select); two copies in a row of the 3-base unit TGA starting at c.4770; the reference has three copies in a row; one copy, 3 bases deleted.
Protein change: p.Asp1593del; deletes aspartic acid 1593.
Molecular consequence: inframe deletion. On other transcripts: inframe indel (1).
Genome position (GRCh38, 1-based): chrX:40,054,297-40,054,299, TCA deleted on the plus strand (TGA on the coding strand, the reverse complement: BCOR is on the minus strand); deleting any 3 consecutive bases within chrX:40,054,297-40,054,306 gives the same sequence; the position shown is the placement nearest the transcript's 3' end. VCF-style (leftmost placement, unchanged base first): chrX-40054296-GTCA-G. GRCh37 (hg19) VCF-style: chrX-39913549-GTCA-G.
Other names: c.4667_4669ATG[2], p.Asp1559del (NM_001123383.2); c.4614TGA[2], p.Asp1541del (NM_001123384.2); c.4668TGA[2], p.Asp1559del (NM_017745.6); short protein forms D1593del, D1559del, D1541del.
Identifiers: ClinVar variation 1406031 (VCV001406031.8), dbSNP rs2146871024, ClinGen allele CA2580616988.